The following is an entry in ClinVar:

NM_004655.4(AXIN2):c.1021G>A (p.Val341Met)

Gene: AXIN2 (axin 2; minus strand). Cytogenetic location: 17q24.1.
Variant type: single nucleotide variant.
Coding change: c.1021G>A on transcript NM_004655.4 (MANE Select); coding-DNA position 1021, G replaced by A.
Protein change: p.Val341Met; replaces valine 341 with methionine.
Molecular consequence: missense variant.
Genome position (GRCh38, 1-based): chr17:65,541,493, C>T on the plus strand (G>A on the coding strand, the complement: AXIN2 is on the minus strand). VCF-style: chr17-65541493-C-T. GRCh37 (hg19) VCF-style: chr17-63537611-C-T.
Other names: c.1021G>A, p.Val341Met (NM_001363813.1); short protein forms V341M.
Identifiers: ClinVar variation 4745437 (VCV004745437.2).
Genomic context (GRCh38, chr17:65,541,493, plus strand): 5'-CCTCACTCCAGACTGTACTCACCGGGAAATGAGGTAGAGACACTTGGCCATTGGCCTTCA[C>T]ACTGCGATGCATTTCTCTCTGGAGCTGTTTCTTACTGCCCACACGATAAGGAGGAATTCC-3'
Protein context (NP_004646.3, residues 331-351): KQLQREMHRS[Val341Met]KANGQVSLPH

ClinVar aggregate classification (germline): Uncertain significance. Review status: criteria provided, multiple submitters, no conflicts (2 of 4 stars). 2 submissions from 2 submitters: Uncertain significance (2). Last evaluated 2026-07-07.

Conditions:
Oligodontia-cancer predisposition syndrome. Also called: TOOTH AGENESIS-COLORECTAL CANCER SYNDROME. Identifiers: Orphanet 300576, MedGen C1837750, MONDO:0012075, OMIM 608615. Disease mechanism: loss of function.
Hereditary cancer-predisposing syndrome. Also called: Hereditary Cancer Syndrome; Hereditary neoplastic syndrome; Neoplastic Syndromes, Hereditary; Tumor predisposition. Identifiers: Orphanet 140162, MedGen C0027672, MeSH D009386, MONDO:0015356.

Submissions (2):

Ambry Genetics
Classification: Uncertain significance for Hereditary cancer-predisposing syndrome. Last evaluated: 2026-07-07. Review status: criteria provided, single submitter. Criteria: Ambry Variant Classification Scheme 2023. Collection method: clinical testing. Allele origin: germline.
Comment: The p.V341M variant (also known as c.1021G>A), located in coding exon 3 of the AXIN2 gene, results from a G to A substitution at nucleotide position 1021. The valine at codon 341 is replaced by methionine, an amino acid with highly similar properties. This amino acid position is conserved. In addition, this alteration is predicted to be tolerated by in silico analysis. Based on the available evidence, the clinical significance of this variant remains unclear.

Labcorp Genetics (formerly Invitae), Labcorp
Classification: Uncertain significance for Oligodontia-cancer predisposition syndrome. Last evaluated: 2025-07-30. Review status: criteria provided, single submitter. Criteria: Invitae Variant Classification Sherloc (09022015). Collection method: clinical testing. Allele origin: germline.
Comment: This sequence change replaces valine, which is neutral and non-polar, with methionine, which is neutral and non-polar, at codon 341 of the AXIN2 protein (p.Val341Met). This variant is not present in population databases (gnomAD no frequency). This variant has not been reported in the literature in individuals affected with AXIN2-related conditions. Invitae Evidence Modeling of protein sequence and biophysical properties (such as structural, functional, and spatial information, amino acid conservation, physicochemical variation, residue mobility, and thermodynamic stability) indicates that this missense variant is not expected to disrupt AXIN2 protein function with a negative predictive value of 80%. In summary, the available evidence is currently insufficient to determine the role of this variant in disease. Therefore, it has been classified as a Variant of Uncertain Significance.